The following is an entry in ClinVar:

ClinVar aggregate classification (germline): Uncertain significance (1 of 4 stars; one submission).

Allele frequency attached by ClinVar (database versions not stated): gnomAD exomes below 0.00001.
gnomAD v4.1: 1 of 1,613,804 alleles (0.000062%); highest among the groups gnomAD compares: Admixed American, 0.0017%; no homozygotes.

Submission:

Labcorp Genetics (formerly Invitae), Labcorp
Classification: Uncertain significance. Last evaluated: 2025-06-23. Review status: criteria provided, single submitter. Criteria: Invitae Variant Classification Sherloc (09022015). Collection method: clinical testing. Allele origin: germline.
Comment: This sequence change replaces glycine, which is neutral and non-polar, with glutamic acid, which is acidic and polar, at codon 951 of the KMT2A protein (p.Gly951Glu). This variant is present in population databases (no rsID available, gnomAD 0.003%). This variant has not been reported in the literature in individuals affected with KMT2A-related conditions. ClinVar contains an entry for this variant (Variation ID: 2878739). Invitae Evidence Modeling of protein sequence and biophysical properties (such as structural, functional, and spatial information, amino acid conservation, physicochemical variation, residue mobility, and thermodynamic stability) indicates that this missense variant is not expected to disrupt KMT2A protein function with a negative predictive value of 95%. In summary, the available evidence is currently insufficient to determine the role of this variant in disease. Therefore, it has been classified as a Variant of Uncertain Significance.

NM_001197104.2(KMT2A):c.2852G>A (p.Gly951Glu)

Gene: KMT2A (lysine methyltransferase 2A; plus strand). Cytogenetic location: 11q23.3.
Variant type: single nucleotide variant.
Coding change: c.2852G>A on transcript NM_001197104.2 (MANE Select); coding-DNA position 2852, G replaced by A.
Protein change: p.Gly951Glu; replaces glycine 951 with glutamic acid.
Molecular consequence: missense variant.
Genome position (GRCh38, 1-based): chr11:118,474,011, G>A. VCF-style: chr11-118474011-G-A. GRCh37 (hg19) VCF-style: chr11-118344726-G-A.
Other names: c.2951G>A, p.Gly984Glu (NM_001412597.1); c.2852G>A, p.Gly951Glu (NM_005933.4); short protein forms G951E, G984E.
Identifiers: ClinVar variation 2878739 (VCV002878739.3), dbSNP rs374385218, ClinGen allele CA382818298.